The following is an entry in ClinVar:

ClinVar aggregate classification (germline): Benign/Likely benign. Review status: criteria provided, multiple submitters, no conflicts (2 of 4 stars). 2 submissions from 2 submitters: Benign (1); Likely benign (1). Last evaluated 2025-12-28.

Allele frequency attached by ClinVar (database versions not stated): TOPMed 0.00048; gnomAD 0.00061 and 0.00070; ExAC 0.00072; gnomAD exomes 0.00076 and 0.00036; 1000 Genomes Project 0.00160; ESP Exome Variant Server 0.00016; 1000 Genomes Project 30x 0.00172.
gnomAD v4.1: 650 of 1,609,924 alleles (0.04%); highest among the groups gnomAD compares: East Asian, 0.22%; no homozygotes.

Submissions (3):

Labcorp Genetics (formerly Invitae), Labcorp
Classification: Benign. Last evaluated: 2025-12-28. Review status: criteria provided, single submitter. Criteria: Invitae Variant Classification Sherloc (09022015). Collection method: clinical testing. Allele origin: germline.

CeGaT Center for Human Genetics Tuebingen
Classification: Likely benign. Last evaluated: 2023-07-01. Review status: criteria provided, single submitter. Criteria: CeGaT Center For Human Genetics Tuebingen Variant Classification Criteria Version 2. Collection method: clinical testing. Allele origin: germline. Affected: yes. Observed: 1 variant allele.
Comment: LRRK1: BP4

Dr. Peter K. Rogan Lab, Western University
No classification provided (evidence only). Condition: Ovarian serous cystadenocarcinoma. Review status: no classification provided. Collection method: in vitro. Allele origin: not applicable. Functional consequence: retained intron. Not counted in ClinVar's aggregate classification.

NM_024652.6(LRRK1):c.763-4C>T

Gene: LRRK1 (leucine rich repeat kinase 1; plus strand). Cytogenetic location: 15q26.3.
Variant type: single nucleotide variant.
Coding change: c.763-4C>T on transcript NM_024652.6 (MANE Select); 4 bases into the intron before coding-DNA position 763, C replaced by T.
Molecular consequence: intron variant.
Genome position (GRCh38, 1-based): chr15:101,008,833, C>T. VCF-style: chr15-101008833-C-T. GRCh37 (hg19) VCF-style: chr15-101549038-C-T.
Identifiers: ClinVar variation 1634736 (VCV001634736.33), dbSNP rs146945758, ClinGen allele CA7760705.